The following is an entry in ClinVar:

NM_014000.3(VCL):c.2882C>T (p.Pro961Leu)

Gene: VCL (vinculin; plus strand). Cytogenetic location: 10q22.2.
Variant type: single nucleotide variant.
Coding change: c.2882C>T on transcript NM_014000.3 (MANE Select); coding-DNA position 2882, C replaced by T.
Protein change: p.Pro961Leu; replaces proline 961 with leucine.
Molecular consequence: missense variant. On other transcripts: intron variant (1).
Genome position (GRCh38, 1-based): chr10:74,112,045, C>T. VCF-style: chr10-74112045-C-T. GRCh37 (hg19) VCF-style: chr10-75871803-C-T.
Other names: c.2746-2139C>T (NM_003373.4); short protein forms P961L.
Identifiers: ClinVar variation 1015994 (VCV001015994.11), dbSNP rs754591130, ClinGen allele CA5563330.

ClinVar aggregate classification (germline): Uncertain significance. Review status: criteria provided, multiple submitters, no conflicts (2 of 4 stars). 3 submissions from 3 submitters: Uncertain significance (3). Last evaluated 2025-11-13.

Conditions:
Cardiovascular phenotype. Identifiers: MedGen CN230736.
Dilated cardiomyopathy 1W (CMD1W). Identifiers: Orphanet 154, MedGen C1969639, MONDO:0012667, OMIM 611407.

Allele frequency attached by ClinVar (database versions not stated): TOPMed 0.00001.
gnomAD v4.1: 6 of 1,614,172 alleles (0.00037%); highest among the groups gnomAD compares: Middle Eastern, 0.016%; no homozygotes.

Submissions (3):

Ambry Genetics
Classification: Uncertain significance for Cardiovascular phenotype. Last evaluated: 2025-11-13. Review status: criteria provided, single submitter. Criteria: Ambry Variant Classification Scheme 2023. Collection method: clinical testing. Allele origin: germline.

Labcorp Genetics (formerly Invitae), Labcorp
Classification: Uncertain significance for Dilated cardiomyopathy 1W. Last evaluated: 2025-05-17. Review status: criteria provided, single submitter. Criteria: Invitae Variant Classification Sherloc (09022015). Collection method: clinical testing. Allele origin: germline.
Comment: This sequence change replaces proline, which is neutral and non-polar, with leucine, which is neutral and non-polar, at codon 961 of the VCL protein (p.Pro961Leu). This variant is present in population databases (rs754591130, gnomAD 0.0009%). This variant has not been reported in the literature in individuals affected with VCL-related conditions. ClinVar contains an entry for this variant (Variation ID: 1015994). An algorithm developed to predict the effect of missense changes on protein structure and function (PolyPhen-2) suggests that this variant is likely to be tolerated. In summary, the available evidence is currently insufficient to determine the role of this variant in disease. Therefore, it has been classified as a Variant of Uncertain Significance.

Blueprint Genetics
Classification: Uncertain significance. Last evaluated: 2023-05-23. Review status: criteria provided, single submitter. Criteria: ACMG Guidelines, 2015. Collection method: clinical testing. Allele origin: germline.